The following is an entry in ClinVar:

NM_001278116.2(L1CAM):c.1767C>A (p.Tyr589Ter)

Gene: L1CAM (L1 cell adhesion molecule; minus strand). Cytogenetic location: Xq28.
Variant type: single nucleotide variant.
Coding change: c.1767C>A on transcript NM_001278116.2 (MANE Select); coding-DNA position 1767, C replaced by A.
Protein change: p.Tyr589Ter; replaces tyrosine 589 with a stop codon.
Molecular consequence: nonsense.
Genome position (GRCh38, 1-based): chrX:153,868,059, G>T on the plus strand (C>A on the coding strand, the complement: L1CAM is on the minus strand). VCF-style: chrX-153868059-G-T. GRCh37 (hg19) VCF-style: chrX-153133514-G-T.
Other names: c.1767C>A, p.Tyr589Ter (NM_000425.5, NM_024003.3); c.1752C>A, p.Tyr584Ter (NM_001143963.2); short protein forms Y589*, Y584*.
Identifiers: ClinVar variation 430437 (VCV000430437.2), dbSNP rs377470679, ClinGen allele CA415123676.

ClinVar aggregate classification (germline): Pathogenic (1 of 4 stars; one submission).

Submission:

GeneDx
Classification: Pathogenic. Last evaluated: 2017-05-04. Review status: criteria provided, single submitter. Criteria: GeneDx Variant Classification (06012015). Collection method: clinical testing. Allele origin: germline. Affected: yes.
Comment: The Y589X nonsense variant in the L1CAM gene is predicted to cause loss of normal protein function either through protein truncation or nonsense-mediated mRNA decay. The Y589X variant is not observed in large population cohorts (Lek et al., 2016; 1000 Genomes Consortium et al., 2015; Exome Variant Server). Although this pathogenic variant has not been reported previously to our knowledge, its presence is consistent with the diagnosis of X-linked hydrocephalus